The following is an entry in ClinVar:

ClinVar aggregate classification (germline): Uncertain significance (1 of 4 stars; one submission).

Conditions:
Hereditary spastic paraplegia 43. Also called: Spastic paraplegia 43, autosomal recessive. Identifiers: Orphanet 320370, MedGen C2680446, MONDO:0014024, OMIM 615043.

Submission:

Labcorp Genetics (formerly Invitae), Labcorp
Classification: Uncertain significance for Hereditary spastic paraplegia 43. Last evaluated: 2017-07-10. Review status: criteria provided, single submitter. Criteria: Invitae Variant Classification Sherloc (09022015). Collection method: clinical testing. Allele origin: germline.
Comment: This sequence change results in a premature translational stop signal in the C19orf12 gene (p.Asn101Lysfs*18). While this is not anticipated to result in nonsense mediated decay, it is expected to disrupt the last 52 amino acids of the C19orf12 protein. This variant is not present in population databases (ExAC no frequency). This variant has not been reported in the literature in individuals with C19orf12-related disease. Experimental studies and prediction algorithms are not available for this variant, and the functional significance of the disrupted amino acids is currently unknown. In summary, the available evidence is currently insufficient to determine the role of this variant in disease. Therefore, it has been classified as a Variant of Uncertain Significance.

NM_031448.6(C19orf12):c.270del (p.Asn90fs)

Gene: C19orf12 (chromosome 19 open reading frame 12; minus strand). Cytogenetic location: 19q12.
Variant type: Deletion.
Coding change: c.270del on transcript NM_031448.6 (MANE Select); coding-DNA position 270, one base deleted (C; older notation c.270delC).
Protein change: p.Asn90fs; shifts the reading frame from asparagine 90.
Molecular consequence: frameshift variant.
Genome position (GRCh38, 1-based): chr19:29,702,868, G deleted on the plus strand (C on the coding strand, the reverse complement: C19orf12 is on the minus strand). VCF-style (leftmost placement, unchanged base first): chr19-29702867-CG-C. GRCh37 (hg19) VCF-style: chr19-30193774-CG-C.
Other names: c.270del, p.Asn90fs (NM_001031726.4, NM_001256046.3, NM_001256047.2); c.78del, p.Asn26fs (NM_001282929.1, NM_001282930.3, NM_001282931.3); c.303delC (NM_001031726.3); short protein forms N26fs, N90fs.
Identifiers: ClinVar variation 469658 (VCV000469658.1), dbSNP rs1555714836, ClinGen allele CA658658800.
Genomic context (GRCh38, chr19:29,702,867, plus strand): 5'-CCAGCGCGGTCAGCTGCACGGCGTCCGTCCACTCCAGGTGCCTGATGATGGCTGCGGCTT[CG>C]TTAAAGAGCCTCTGTTGCTCGGCAGGGGGCAGCTCCATTAGGATCTGAGGAACCGGCTTA-3'